The following is an entry in ClinVar:

NM_006440.5(TXNRD2):c.634T>C (p.Phe212Leu)

Gene: TXNRD2 (thioredoxin reductase 2; minus strand). Cytogenetic location: 22q11.21.
Variant type: single nucleotide variant.
Coding change: c.634T>C on transcript NM_006440.5 (MANE Select); coding-DNA position 634, T replaced by C.
Protein change: p.Phe212Leu; replaces phenylalanine 212 with leucine.
Molecular consequence: missense variant. On other transcripts: non-coding transcript variant (1).
Genome position (GRCh38, 1-based): chr22:19,911,405, A>G on the plus strand (T>C on the coding strand, the complement: TXNRD2 is on the minus strand). VCF-style: chr22-19911405-A-G. GRCh37 (hg19) VCF-style: chr22-19898928-A-G.
Other names: c.634T>C, p.Phe212Leu (NM_001282512.3); c.631T>C, p.Phe211Leu (NM_001352300.2); c.544T>C, p.Phe182Leu (NM_001352301.2); c.346T>C, p.Phe116Leu (NM_001352302.2); c.538T>C, p.Phe180Leu (NM_001352303.2); short protein forms F116L, F180L, F182L, F211L, F212L.
Identifiers: ClinVar variation 4866271 (VCV004866271.1).

ClinVar aggregate classification (germline): Uncertain significance (1 of 4 stars; one submission).

Conditions:
Cardiovascular phenotype. Identifiers: MedGen CN230736.

Submission:

Ambry Genetics
Classification: Uncertain significance for Cardiovascular phenotype. Last evaluated: 2026-04-04. Review status: criteria provided, single submitter. Criteria: Ambry Variant Classification Scheme 2023. Collection method: clinical testing. Allele origin: germline.
Comment: The p.F212L variant (also known as c.634T>C), located in coding exon 8 of the TXNRD2 gene, results from a T to C substitution at nucleotide position 634. The phenylalanine at codon 212 is replaced by leucine, an amino acid with highly similar properties. This amino acid position is conserved. In addition, this alteration is predicted to be deleterious by in silico analysis. Based on the available evidence, the clinical significance of this variant remains unclear.